The following is an entry in ClinVar:

ClinVar aggregate classification (germline): Uncertain significance (1 of 4 stars; one submission).

Conditions:
Arginine:glycine amidinotransferase deficiency (CCDS3). Also called: Creatine deficiency syndrome due to AGAT deficiency; GATM deficiency; Cerebral creatine deficiency syndrome 3; AGAT deficiency; L-Arginine:Glycine Amidinotransferase Deficiency; L-Arginine:Glycine Amidinotransferase (AGAT) Deficiency. Identifiers: Orphanet 35704, MedGen C2675179, MONDO:0012996, OMIM 612718.

Allele frequency attached by ClinVar (database versions not stated): gnomAD exomes below 0.00001; TOPMed below 0.00001.
gnomAD v4.1: 2 of 1,614,144 alleles (0.00012%); highest among the groups gnomAD compares: Non-Finnish European, 0.00017%; no homozygotes.

Submission:

Labcorp Genetics (formerly Invitae), Labcorp
Classification: Uncertain significance for Arginine:glycine amidinotransferase deficiency. Last evaluated: 2023-12-31. Review status: criteria provided, single submitter. Criteria: Invitae Variant Classification Sherloc (09022015). Collection method: clinical testing. Allele origin: germline.
Comment: This sequence change replaces isoleucine, which is neutral and non-polar, with threonine, which is neutral and polar, at codon 127 of the GATM protein (p.Ile127Thr). This variant is not present in population databases (gnomAD no frequency). This variant has not been reported in the literature in individuals affected with GATM-related conditions. ClinVar contains an entry for this variant (Variation ID: 1524022). Advanced modeling of protein sequence and biophysical properties (such as structural, functional, and spatial information, amino acid conservation, physicochemical variation, residue mobility, and thermodynamic stability) has been performed at Invitae for this missense variant, however the output from this modeling did not meet the statistical confidence thresholds required to predict the impact of this variant on GATM protein function. In summary, the available evidence is currently insufficient to determine the role of this variant in disease. Therefore, it has been classified as a Variant of Uncertain Significance.

NM_001482.3(GATM):c.380T>C (p.Ile127Thr)

Gene: GATM (glycine amidinotransferase; minus strand). Cytogenetic location: 15q21.1.
Variant type: single nucleotide variant.
Coding change: c.380T>C on transcript NM_001482.3 (MANE Select); coding-DNA position 380, T replaced by C.
Protein change: p.Ile127Thr; replaces isoleucine 127 with threonine.
Molecular consequence: missense variant. On other transcripts: 5 prime UTR variant (1).
Genome position (GRCh38, 1-based): chr15:45,369,430, A>G on the plus strand (T>C on the coding strand, the complement: GATM is on the minus strand). VCF-style: chr15-45369430-A-G. GRCh37 (hg19) VCF-style: chr15-45661628-A-G.
Other names: c.-8T>C (NM_001321015.2); short protein forms I127T.
Identifiers: ClinVar variation 1524022 (VCV001524022.5), dbSNP rs1896556912, ClinGen allele CA392261861.